The following is an entry in ClinVar:

ClinVar aggregate classification (germline): Uncertain significance (1 of 4 stars; one submission).

Submission:

ISCA site 15
Classification: Uncertain significance. Last evaluated: 2011-08-12. Review status: criteria provided, single submitter. Criteria: Kaminsky et al. (Genet Med. 2011). Collection method: clinical testing. Allele origin: unknown. Affected: yes. Observed: 1 variant allele.
Comment: Copy number variation identified through the course of routine clinical cytogenomic testing in postnatal populations. Clinical assertions have been curated as described in Kaminsky et al. 2011.

GRCh38/hg38 19p13.11(chr19:16485144-16672218)x1

Genes: C19orf44 (chromosome 19 open reading frame 44; plus strand), CALR3 (calreticulin 3; minus strand), CHERP (calcium homeostasis endoplasmic reticulum protein; minus strand), MED26 (mediator complex subunit 26; minus strand), SLC35E1 (solute carrier family 35 member E1; minus strand) and 21 more. Cytogenetic location: 19p13.11.
Variant type: copy number loss.
Change: copy number 1 (one copy instead of two) of chr19:16,485,144-16,672,218 (187.1 kb, GRCh38 coordinates, 1-based), cytogenetic band 19p13.11.
Identifiers: ClinVar variation 58339 (VCV000058339.1).